The following is an entry in ClinVar:

ClinVar aggregate classification (germline): Uncertain significance. Review status: criteria provided, multiple submitters, no conflicts (2 of 4 stars). 4 submissions from 4 submitters: Uncertain significance (2). 2 of the submissions do not count toward it. Last evaluated 2026-01-08.

Conditions:
VPS13B-related disorder. Also called: VPS13B-related condition.
Cohen syndrome (COH1). Also called: PEPPER SYNDROME; Cutis verticis gyrata, retinitis pigmentosa, and sensorineural deafness. Identifiers: Orphanet 193, MedGen C0265223, MONDO:0008999, OMIM 216550.

Allele frequency attached by ClinVar (database versions not stated): gnomAD exomes 0.00003 and 0.00005; gnomAD 0.00004; TOPMed 0.00006; ExAC 0.00010.
gnomAD v4.1: 78 of 1,598,830 alleles (0.0049%); highest among the groups gnomAD compares: African/African-American, 0.0094%; no homozygotes.

Submissions (4):

Labcorp Genetics (formerly Invitae), Labcorp
Classification: Uncertain significance for Cohen syndrome. Last evaluated: 2026-01-08. Review status: criteria provided, single submitter. Criteria: Invitae Variant Classification Sherloc (09022015). Collection method: clinical testing. Allele origin: germline.
Comment: This sequence change replaces arginine, which is basic and polar, with tryptophan, which is neutral and slightly polar, at codon 3725 of the VPS13B protein (p.Arg3725Trp). This variant is present in population databases (rs779427167, gnomAD 0.009%). This variant has not been reported in the literature in individuals affected with VPS13B-related conditions. ClinVar contains an entry for this variant (Variation ID: 860557). Invitae Evidence Modeling of protein sequence and biophysical properties (such as structural, functional, and spatial information, amino acid conservation, physicochemical variation, residue mobility, and thermodynamic stability) indicates that this missense variant is expected to disrupt VPS13B protein function with a positive predictive value of 80%. In summary, the available evidence is currently insufficient to determine the role of this variant in disease. Therefore, it has been classified as a Variant of Uncertain Significance.

GeneDx
Classification: Uncertain significance. Last evaluated: 2025-07-30. Review status: criteria provided, single submitter. Criteria: GeneDx Variant Classification Process June 2021. Collection method: clinical testing. Allele origin: germline. Affected: yes.
Comment: Has not been previously published as pathogenic or benign to our knowledge; Not observed at significant frequency in large population cohorts (gnomAD); In silico analysis supports that this missense variant has a deleterious effect on protein structure/function

PreventionGenetics, part of Exact Sciences
Classification: Uncertain significance for VPS13B-related condition. Last evaluated: 2024-08-07. Review status: no assertion criteria provided. Collection method: clinical testing. Allele origin: germline. Not counted in ClinVar's aggregate classification.
Comment: The VPS13B c.11098C>T variant is predicted to result in the amino acid substitution p.Arg3700Trp. To our knowledge, this variant has not been reported in the literature. This variant is reported in 0.013% of alleles in individuals of African descent in gnomAD. At this time, the clinical significance of this variant is uncertain due to the absence of conclusive functional and genetic evidence.

Natera, Inc.
Classification: Uncertain significance for Cohen syndrome. Last evaluated: 2020-02-13. Review status: no assertion criteria provided. Collection method: clinical testing. Allele origin: germline. Not counted in ClinVar's aggregate classification.

NM_152564.5(VPS13B):c.11098C>T (p.Arg3700Trp)

Gene: VPS13B (vacuolar protein sorting 13 homolog B; plus strand). Cytogenetic location: 8q22.2.
Variant type: single nucleotide variant.
Coding change: c.11098C>T on transcript NM_152564.5 (MANE Select); coding-DNA position 11098, C replaced by T.
Protein change: p.Arg3700Trp; replaces arginine 3700 with tryptophan.
Molecular consequence: missense variant.
Genome position (GRCh38, 1-based): chr8:99,861,829, C>T. VCF-style: chr8-99861829-C-T. GRCh37 (hg19) VCF-style: chr8-100874057-C-T.
Other names: c.11098C>T (NM_152564.4); c.11173C>T (NM_017890.3); c.11173C>T, p.Arg3725Trp (NM_017890.5); short protein forms R3725W, R3700W.
Identifiers: ClinVar variation 860557 (VCV000860557.8), dbSNP rs779427167, ClinGen allele CA4825143.